The following is an entry in ClinVar:

NM_005271.5(GLUD1):c.1643A>G (p.Lys548Arg)

Gene: GLUD1 (glutamate dehydrogenase 1; minus strand). Cytogenetic location: 10q23.2.
Variant type: single nucleotide variant.
Coding change: c.1643A>G on transcript NM_005271.5 (MANE Select); coding-DNA position 1643, A replaced by G.
Protein change: p.Lys548Arg; replaces lysine 548 with arginine.
Molecular consequence: missense variant.
Genome position (GRCh38, 1-based): chr10:87,051,785, T>C on the plus strand (A>G on the coding strand, the complement: GLUD1 is on the minus strand). VCF-style: chr10-87051785-T-C. GRCh37 (hg19) VCF-style: chr10-88811542-T-C.
Other names: c.1244A>G, p.Lys415Arg (NM_001318900.1); c.1142A>G, p.Lys381Arg (NM_001318901.1, NM_001318902.1, NM_001318904.2 and 2 more transcripts); short protein forms K415R, K381R, K548R.
Identifiers: ClinVar variation 4982547 (VCV004982547.1).
Genomic context (GRCh38, chr10:87,051,785, plus strand): 5'-TAGTGAGGAAGTCAGCCATGATCCATCTATGTGAAGGTCACACCAGCTTCATTGTACACT[T>C]TGAAGACTTTCTCAATGGCATTAACATAGGCAGCTGTTCTCAGGTCCAATCCCAGGTTAT-3'
Protein context (NP_005262.1, residues 538-558): AYVNAIEKVF[Lys548Arg]VYNEAGVTFT

ClinVar aggregate classification (germline): Uncertain significance (1 of 4 stars; one submission).

Conditions:
GLUD1-related disorder. Also called: GLUD1-related condition.

Submission:

PreventionGenetics, part of Exact Sciences
Classification: Uncertain significance for GLUD1-related condition. Last evaluated: 2024-12-27. Review status: criteria provided, single submitter. Criteria: ACMG Guidelines, 2015. Collection method: clinical testing. Allele origin: germline.
Comment: The GLUD1 c.1643A>G variant is predicted to result in the amino acid substitution p.Lys548Arg. To our knowledge, this variant has not been reported in the literature in individuals with GLUD1-related disorders or in a large population database (gnomAD), indicating this variant is rare. At this time, the clinical significance of this variant is uncertain due to the absence of conclusive functional and genetic evidence.